The following is an entry in ClinVar:

ClinVar aggregate classification (germline): Likely pathogenic (1 of 4 stars; one submission).

Conditions:
Glycogen storage disease, type IV (GSD4). Also called: AMYLOPECTINOSIS; ANDERSEN DISEASE; BRANCHER DEFICIENCY; CIRRHOSIS, FAMILIAL, WITH DEPOSITION OF ABNORMAL GLYCOGEN; GBE1 DEFICIENCY; GLYCOGEN BRANCHING ENZYME DEFICIENCY. Identifiers: Orphanet 367, MedGen C0017923, MONDO:0009292, OMIM 232500.
Glycogen storage disease IV, classic hepatic. Also called: GSD IV, CLASSIC HEPATIC. Identifiers: MedGen C1856301.

Submission:

Labcorp Genetics (formerly Invitae), Labcorp
Classification: Likely pathogenic for Glycogen storage disease, type IV; Glycogen storage disease IV, classic hepatic. Last evaluated: 2022-12-30. Review status: criteria provided, single submitter. Criteria: Invitae Variant Classification Sherloc (09022015). Collection method: clinical testing. Allele origin: germline.
Comment: In summary, the currently available evidence indicates that the variant is pathogenic, but additional data are needed to prove that conclusively. Therefore, this variant has been classified as Likely Pathogenic. This variant disrupts the p.His319 amino acid residue in GBE1. Other variant(s) that disrupt this residue have been determined to be pathogenic (PMID: 23218673, 23266647). This suggests that this residue is clinically significant, and that variants that disrupt this residue are likely to be disease-causing. Advanced modeling of protein sequence and biophysical properties (such as structural, functional, and spatial information, amino acid conservation, physicochemical variation, residue mobility, and thermodynamic stability) performed at Invitae indicates that this missense variant is expected to disrupt GBE1 protein function. This variant has not been reported in the literature in individuals affected with GBE1-related conditions. This variant is not present in population databases (gnomAD no frequency). This sequence change replaces histidine, which is basic and polar, with aspartic acid, which is acidic and polar, at codon 319 of the GBE1 protein (p.His319Asp).

Literature cited by the submitters: PubMed 23218673; PubMed 23266647.

NM_000158.4(GBE1):c.955C>G (p.His319Asp)

Gene: GBE1 (1,4-alpha-glucan branching enzyme 1; minus strand). Cytogenetic location: 3p12.2.
Variant type: single nucleotide variant.
Coding change: c.955C>G on transcript NM_000158.4 (MANE Select); coding-DNA position 955, C replaced by G.
Protein change: p.His319Asp; replaces histidine 319 with aspartic acid.
Molecular consequence: missense variant.
Genome position (GRCh38, 1-based): chr3:81,642,818, G>C on the plus strand (C>G on the coding strand, the complement: GBE1 is on the minus strand). VCF-style: chr3-81642818-G-C. GRCh37 (hg19) VCF-style: chr3-81691969-G-C.
Other names: short protein forms H319D.
Identifiers: ClinVar variation 2942782 (VCV002942782.3), dbSNP rs767100121, ClinGen allele CA353687212.